The following is an entry in ClinVar:

ClinVar aggregate classification (germline): Uncertain significance. Review status: criteria provided, multiple submitters, no conflicts (2 of 4 stars). 11 submissions from 11 submitters: Uncertain significance (9). 2 of the submissions do not count toward it. Last evaluated 2025-12-21.

Conditions:
PLEC-related disorder. Also called: PLEC-related condition; PLEC-related disorders.
Epidermolysis bullosa simplex 5B, with muscular dystrophy (EBS5B). Also called: Epidermolysis bullosa simplex with muscular dystrophy; EPIDERMOLYSIS BULLOSA SIMPLEX AND LIMB-GIRDLE MUSCULAR DYSTROPHY. Identifiers: Orphanet 257, MedGen C2931072, MONDO:0009181, OMIM 226670.
Autosomal recessive limb-girdle muscular dystrophy type 2Q (LGMDR17). Also called: MUSCULAR DYSTROPHY, LIMB-GIRDLE, AUTOSOMAL RECESSIVE 17. Identifiers: Orphanet 254361, MedGen C3150989, MONDO:0013390, OMIM 613723.
Epidermolysis bullosa simplex 5C, with pyloric atresia (EBS5C). Also called: PLEC1-Related Epidermolysis Bullosa with Pyloric Atresia; PLEC-Related Epidermolysis Bullosa with Pyloric Atresia; Epidermolysis bullosa simplex with pyloric atresia. Identifiers: Orphanet 158684, MedGen C2677349, MONDO:0012807, OMIM 612138.
Inborn genetic diseases. Identifiers: MedGen C0950123, MeSH D030342.
Multiple sclerosis. Identifiers: MedGen C0026769, MONDO:0005301.
Epidermolysis bullosa simplex with nail dystrophy (EBS5D). Identifiers: MedGen C4225309, MONDO:0014661, OMIM 616487.
Epidermolysis bullosa simplex, Ogna type (EBS5A). Also called: EPIDERMOLYSIS BULLOSA SIMPLEX 5A, OGNA TYPE; Pidermolysis bullosa simplex 5A, Ogna type. Identifiers: Orphanet 79401, MedGen C0432317, MONDO:0007555, OMIM 131950.

Allele frequency attached by ClinVar (database versions not stated): gnomAD 0.00012 and 0.00014; TOPMed 0.00015; ExAC 0.00018.
gnomAD v4.1: 255 of 1,612,914 alleles (0.016%); highest among the groups gnomAD compares: Middle Eastern, 0.25%; 2 homozygotes.

Submissions (11):

Labcorp Genetics (formerly Invitae), Labcorp
Classification: Uncertain significance for Autosomal recessive limb-girdle muscular dystrophy type 2Q; Epidermolysis bullosa simplex, Ogna type; Epidermolysis bullosa simplex with nail dystrophy; Epidermolysis bullosa simplex 5C, with pyloric atresia; Epidermolysis bullosa simplex 5B, with muscular dystrophy. Last evaluated: 2025-12-21. Review status: criteria provided, single submitter. Criteria: Invitae Variant Classification Sherloc (09022015). Collection method: clinical testing. Allele origin: germline.
Comment: This sequence change replaces proline, which is neutral and non-polar, with leucine, which is neutral and non-polar, at codon 4358 of the PLEC protein (p.Pro4358Leu). This variant is present in population databases (rs199651668, gnomAD 0.02%). This variant has not been reported in the literature in individuals affected with PLEC-related conditions. ClinVar contains an entry for this variant (Variation ID: 196854). Invitae Evidence Modeling of protein sequence and biophysical properties (such as structural, functional, and spatial information, amino acid conservation, physicochemical variation, residue mobility, and thermodynamic stability) indicates that this missense variant is not expected to disrupt PLEC protein function with a negative predictive value of 80%. In summary, the available evidence is currently insufficient to determine the role of this variant in disease. Therefore, it has been classified as a Variant of Uncertain Significance.

Ambry Genetics
Classification: Uncertain significance for Inborn genetic diseases. Last evaluated: 2025-12-16. Review status: criteria provided, single submitter. Criteria: Ambry Variant Classification Scheme 2023. Collection method: clinical testing. Allele origin: germline.

Blueprint Genetics
Classification: Uncertain significance. Last evaluated: 2024-11-20. Review status: criteria provided, single submitter. Criteria: ACMG Guidelines, 2015. Collection method: clinical testing. Allele origin: germline.

Revvity Omics, Revvity
Classification: Uncertain significance. Last evaluated: 2024-06-21. Review status: criteria provided, single submitter. Criteria: ACMG Guidelines, 2015. Collection method: clinical testing. Allele origin: germline.

Athena Diagnostics
Classification: Uncertain significance. Last evaluated: 2021-01-13. Review status: criteria provided, single submitter. Criteria: Athena Diagnostics criteria. Collection method: clinical testing. Allele origin: unknown.

GeneDx
Classification: Uncertain significance. Last evaluated: 2019-12-09. Review status: criteria provided, single submitter. Criteria: GeneDx Variant Classification Process June 2021. Collection method: clinical testing. Allele origin: germline. Affected: yes.
Comment: In silico analysis, which includes protein predictors and evolutionary conservation, supports a deleterious effect; Missense variant in a gene in which most reported pathogenic variants are truncating/loss-of-function; Has not been previously published as pathogenic or benign to our knowledge

Centre for Mendelian Genomics, University Medical Centre Ljubljana
Classification: Uncertain significance for Autosomal recessive limb-girdle muscular dystrophy type 2Q. Last evaluated: 2019-02-22. Review status: criteria provided, single submitter. Criteria: ACMG Guidelines, 2015. Collection method: clinical testing. Allele origin: unknown. Affected: yes.
Comment: This variant was classified as: Uncertain significance. The available evidence on this variant's pathogenicity is insufficient or conflicting. The following ACMG criteria were applied in classifying this variant: BP1.

Eurofins Ntd Llc (ga)
Classification: Uncertain significance. Last evaluated: 2015-01-15. Review status: criteria provided, single submitter. Criteria: EGL Classification Definitions 2015. Collection method: clinical testing. Allele origin: germline. Observed: 2 variant alleles, 2 heterozygotes.

Breakthrough Genomics
Classification: Uncertain significance. Review status: criteria provided, single submitter. Criteria: ACMG Guidelines, 2015. Collection method: not provided. Allele origin: germline. Inheritance: Autosomal recessive inheritance. Affected: yes.

Department of Molecular Biology and Genetics, Acibadem University
Classification: Likely pathogenic for Multiple sclerosis. Last evaluated: 2024-06-10. Review status: no assertion criteria provided. Collection method: research. Allele origin: germline. Affected: yes. Not counted in ClinVar's aggregate classification.

PreventionGenetics, part of Exact Sciences
Classification: Uncertain significance for PLEC-related condition. Last evaluated: 2024-02-09. Review status: no assertion criteria provided. Collection method: clinical testing. Allele origin: germline. Not counted in ClinVar's aggregate classification.
Comment: The PLEC c.13073C>T variant is predicted to result in the amino acid substitution p.Pro4358Leu. To our knowledge, this variant has not been reported in the literature. This variant is reported in 0.034% of alleles in individuals of Latino descent in gnomAD. At this time, the clinical significance of this variant is uncertain due to the absence of conclusive functional and genetic evidence.

NM_201384.3(PLEC):c.12992C>T (p.Pro4331Leu)

Gene: PLEC (plectin; minus strand). Cytogenetic location: 8q24.3.
Variant type: single nucleotide variant.
Coding change: c.12992C>T on transcript NM_201384.3 (MANE Select); coding-DNA position 12992, C replaced by T.
Protein change: p.Pro4331Leu; replaces proline 4331 with leucine.
Molecular consequence: missense variant.
Genome position (GRCh38, 1-based): chr8:143,916,829, G>A on the plus strand (C>T on the coding strand, the complement: PLEC is on the minus strand). VCF-style: chr8-143916829-G-A. GRCh37 (hg19) VCF-style: chr8-144990997-G-A.
Other names: c.13073C>T, p.Pro4358Leu (NM_000445.5); c.12950C>T, p.Pro4317Leu (NM_201378.4); c.12926C>T, p.Pro4309Leu (NM_201379.3); c.13403C>T, p.Pro4468Leu (NM_201380.4); c.12896C>T, p.Pro4299Leu (NM_201381.3); c.12992C>T, p.Pro4331Leu (NM_201382.4); c.13004C>T, p.Pro4335Leu (NM_201383.3); short protein forms P4299L, P4309L, P4317L, P4331L, P4335L, P4358L, P4468L.
Identifiers: ClinVar variation 196854 (VCV000196854.30), dbSNP rs199651668, ClinGen allele CA244586.